The following is an entry in ClinVar:

NM_005188.4(CBL):c.353T>A (p.Phe118Tyr)

Gene: CBL (Cbl proto-oncogene; plus strand). Cytogenetic location: 11q23.3.
Variant type: single nucleotide variant.
Coding change: c.353T>A on transcript NM_005188.4 (MANE Select); coding-DNA position 353, T replaced by A.
Protein change: p.Phe118Tyr; replaces phenylalanine 118 with tyrosine.
Molecular consequence: missense variant.
Genome position (GRCh38, 1-based): chr11:119,232,605, T>A. VCF-style: chr11-119232605-T-A. GRCh37 (hg19) VCF-style: chr11-119103315-T-A.
Other names: short protein forms F118Y.
Identifiers: ClinVar variation 3485609 (VCV003485609.3).
Genomic context (GRCh38, chr11:119,232,605, plus strand): 5'-TCTTGTCAAGATATGAGGGGAAGATGGAGACACTTGGAGAAAATGAGTATTTTAGGGTGT[T>A]TATGGAGAATTTGATGAAGAAAACTAAGCAAACCATAAGCCTCTTCAAGGAGGGAAAAGA-3'
Protein context (NP_005179.2, residues 108-128): TLGENEYFRV[Phe118Tyr]MENLMKKTKQ

ClinVar aggregate classification (germline): Uncertain significance. Review status: criteria provided, multiple submitters, no conflicts (2 of 4 stars). 2 submissions from 2 submitters: Uncertain significance (2). Last evaluated 2025-01-23.

Conditions:
Cardiovascular phenotype. Identifiers: MedGen CN230736.
RASopathy. Also called: rasopathies; Noonan spectrum disorder. Identifiers: Orphanet 536391, MedGen C5555857, MONDO:0021060.

gnomAD v4.1: 6 of 1,614,052 alleles (0.00037%); highest among the groups gnomAD compares: Non-Finnish European, 0.00051%; no homozygotes.

Submissions (2):

Labcorp Genetics (formerly Invitae), Labcorp
Classification: Uncertain significance for RASopathy. Last evaluated: 2025-01-23. Review status: criteria provided, single submitter. Criteria: Invitae Variant Classification Sherloc (09022015). Collection method: clinical testing. Allele origin: germline.
Comment: This sequence change replaces phenylalanine, which is neutral and non-polar, with tyrosine, which is neutral and polar, at codon 118 of the CBL protein (p.Phe118Tyr). This variant is not present in population databases (gnomAD no frequency). This variant has not been reported in the literature in individuals affected with CBL-related conditions. Invitae Evidence Modeling of protein sequence and biophysical properties (such as structural, functional, and spatial information, amino acid conservation, physicochemical variation, residue mobility, and thermodynamic stability) indicates that this missense variant is not expected to disrupt CBL protein function with a negative predictive value of 95%. In summary, the available evidence is currently insufficient to determine the role of this variant in disease. Therefore, it has been classified as a Variant of Uncertain Significance.

Ambry Genetics
Classification: Uncertain significance for Cardiovascular phenotype. Last evaluated: 2024-11-23. Review status: criteria provided, single submitter. Criteria: Ambry Variant Classification Scheme 2023. Collection method: clinical testing. Allele origin: germline.
Comment: The p.F118Y variant (also known as c.353T>A), located in coding exon 2 of the CBL gene, results from a T to A substitution at nucleotide position 353. The phenylalanine at codon 118 is replaced by tyrosine, an amino acid with highly similar properties. This amino acid position is conserved. In addition, the in silico prediction for this alteration is inconclusive. Based on the available evidence, the clinical significance of this variant remains unclear.